The following is an entry in ClinVar:

ClinVar aggregate classification (germline): Uncertain significance. Review status: criteria provided, multiple submitters, no conflicts (2 of 4 stars). 5 submissions from 5 submitters: Uncertain significance (4). 1 of the submissions does not count toward it. Last evaluated 2023-03-23.

Conditions:
Cardiovascular phenotype. Identifiers: MedGen CN230736.
Alstrom syndrome (ALMS). Identifiers: Orphanet 64, MedGen C0268425, MONDO:0008763, OMIM 203800.

Allele frequency attached by ClinVar (database versions not stated): gnomAD exomes below 0.00001; TOPMed 0.00001; gnomAD 0.00003.
gnomAD v4.1: 6 of 1,613,946 alleles (0.00037%); highest among the groups gnomAD compares: African/African-American, 0.008%; no homozygotes.

Submissions (5):

Ambry Genetics
Classification: Uncertain significance for Cardiovascular phenotype. Last evaluated: 2023-03-23. Review status: criteria provided, single submitter. Criteria: Ambry Variant Classification Scheme 2023. Collection method: clinical testing. Allele origin: germline.
Comment: The p.A840T variant (also known as c.2518G>A), located in coding exon 8 of the ALMS1 gene, results from a G to A substitution at nucleotide position 2518. The alanine at codon 840 is replaced by threonine, an amino acid with similar properties. This amino acid position is not well conserved in available vertebrate species. In addition, this alteration is predicted to be tolerated by in silico analysis. Since supporting evidence is limited at this time, the clinical significance of this alteration remains unclear.

Labcorp Genetics (formerly Invitae), Labcorp
Classification: Uncertain significance for Alstrom syndrome. Last evaluated: 2022-05-14. Review status: criteria provided, single submitter. Criteria: Invitae Variant Classification Sherloc (09022015). Collection method: clinical testing. Allele origin: germline.
Comment: This sequence change replaces alanine, which is neutral and non-polar, with threonine, which is neutral and polar, at codon 840 of the ALMS1 protein (p.Ala840Thr). This variant is present in population databases (no rsID available, gnomAD 0.01%). This variant has not been reported in the literature in individuals affected with ALMS1-related conditions. ClinVar contains an entry for this variant (Variation ID: 592967). In summary, the available evidence is currently insufficient to determine the role of this variant in disease. Therefore, it has been classified as a Variant of Uncertain Significance.

Women's Health and Genetics/Laboratory Corporation of America, LabCorp
Classification: Uncertain significance. Last evaluated: 2021-03-15. Review status: criteria provided, single submitter. Criteria: LabCorp Variant Classification Summary - May 2015. Collection method: clinical testing. Allele origin: germline.
Comment: Variant summary: ALMS1 c.2512G>A (p.Ala838Thr) results in a non-conservative amino acid change located in the Alstrom syndrome repeat (IPR040972) of the encoded protein sequence. Four of five in-silico tools predict a benign effect of the variant on protein function. The variant was absent in 248898 control chromosomes (gnomAD). The available data on variant occurrences in the general population are insufficient to allow any conclusion about variant significance. To our knowledge, no occurrence of c.2512G>A in individuals affected with Alstrom Syndrome With Dilated Cardiomyopathy and no experimental evidence demonstrating its impact on protein function have been reported. A ClinVar submitter (evaluation after 2014) cites the variant as uncertain significance. Based on the evidence outlined above, the variant was classified as uncertain significance.

Eurofins Ntd Llc (ga)
Classification: Uncertain significance. Last evaluated: 2017-06-30. Review status: criteria provided, single submitter. Criteria: EGL Classification Definitions 2015. Collection method: clinical testing. Allele origin: germline. Observed: 1 variant allele, 1 heterozygote.

Natera, Inc.
Classification: Uncertain significance for Alstrom syndrome. Last evaluated: 2021-03-18. Review status: no assertion criteria provided. Collection method: clinical testing. Allele origin: germline. Not counted in ClinVar's aggregate classification.

NM_001378454.1(ALMS1):c.2515G>A (p.Ala839Thr)

Gene: ALMS1 (ALMS1 centrosome and basal body associated protein; plus strand). Cytogenetic location: 2p13.1.
Variant type: single nucleotide variant.
Coding change: c.2515G>A on transcript NM_001378454.1 (MANE Select); coding-DNA position 2515, G replaced by A.
Protein change: p.Ala839Thr; replaces alanine 839 with threonine.
Molecular consequence: missense variant.
Genome position (GRCh38, 1-based): chr2:73,449,042, G>A. VCF-style: chr2-73449042-G-A. GRCh37 (hg19) VCF-style: chr2-73676169-G-A.
Other names: c.2518G>A, p.Ala840Thr (NM_015120.4); short protein forms A840T, A839T.
Identifiers: ClinVar variation 592967 (VCV000592967.15), dbSNP rs1356972872, ClinGen allele CA347270376.